The following is an entry in ClinVar:

NM_006231.4(POLE):c.1728G>C (p.Lys576Asn)

Gene: POLE (DNA polymerase epsilon, catalytic subunit; minus strand). Cytogenetic location: 12q24.33.
Variant type: single nucleotide variant.
Coding change: c.1728G>C on transcript NM_006231.4 (MANE Select); coding-DNA position 1728, G replaced by C.
Protein change: p.Lys576Asn; replaces lysine 576 with asparagine.
Molecular consequence: missense variant.
Genome position (GRCh38, 1-based): chr12:132,672,281, C>G on the plus strand (G>C on the coding strand, the complement: POLE is on the minus strand). VCF-style: chr12-132672281-C-G. GRCh37 (hg19) VCF-style: chr12-133248867-C-G.
Other names: short protein forms K576N.
Identifiers: ClinVar variation 943412 (VCV000943412.9), dbSNP rs1593069434, ClinGen allele CA387356344.

ClinVar aggregate classification (germline): Uncertain significance (1 of 4 stars; one submission).

Submission:

Labcorp Genetics (formerly Invitae), Labcorp
Classification: Uncertain significance. Last evaluated: 2019-07-09. Review status: criteria provided, single submitter. Criteria: Invitae Variant Classification Sherloc (09022015). Collection method: clinical testing. Allele origin: germline.
Comment: In summary, the available evidence is currently insufficient to determine the role of this variant in disease. Therefore, it has been classified as a Variant of Uncertain Significance. Algorithms developed to predict the effect of missense changes on protein structure and function (SIFT, PolyPhen-2, Align-GVGD) all suggest that this variant is likely to be tolerated, but these predictions have not been confirmed by published functional studies and their clinical significance is uncertain. This variant has not been reported in the literature in individuals with POLE-related conditions. This variant is not present in population databases (ExAC no frequency). This sequence change replaces lysine with asparagine at codon 576 of the POLE protein (p.Lys576Asn). The lysine residue is moderately conserved and there is a moderate physicochemical difference between lysine and asparagine.